The following is an entry in ClinVar:

ClinVar aggregate classification (germline): Uncertain significance (1 of 4 stars; one submission).

Conditions:
Myofibrillar myopathy 5. Also called: Filaminopathy (type); FILAMINOPATHY, AUTOSOMAL DOMINANT. Identifiers: Orphanet 171445, MedGen C1836050, MONDO:0012289, OMIM 609524.
Hypertrophic cardiomyopathy 26. Also called: Cardiomyopathy, familial hypertrophic, 26. Identifiers: Orphanet 75249, MedGen C4310749, MONDO:0014883, OMIM 617047.
Distal myopathy with posterior leg and anterior hand involvement. Also called: WILLIAMS DISTAL MYOPATHY. Identifiers: Orphanet 63273, MedGen C3279722, MONDO:0013550, OMIM 614065.

Submission:

Labcorp Genetics (formerly Invitae), Labcorp
Classification: Uncertain significance for Distal myopathy with posterior leg and anterior hand involvement; Myofibrillar myopathy 5; Hypertrophic cardiomyopathy 26. Last evaluated: 2023-04-15. Review status: criteria provided, single submitter. Criteria: Invitae Variant Classification Sherloc (09022015). Collection method: clinical testing. Allele origin: germline.
Comment: In summary, the available evidence is currently insufficient to determine the role of this variant in disease. Therefore, it has been classified as a Variant of Uncertain Significance. Advanced modeling of protein sequence and biophysical properties (such as structural, functional, and spatial information, amino acid conservation, physicochemical variation, residue mobility, and thermodynamic stability) has been performed at Invitae for this missense variant, however the output from this modeling did not meet the statistical confidence thresholds required to predict the impact of this variant on FLNC protein function. This variant has not been reported in the literature in individuals affected with FLNC-related conditions. This variant is not present in population databases (gnomAD no frequency). This sequence change replaces glycine, which is neutral and non-polar, with cysteine, which is neutral and slightly polar, at codon 1115 of the FLNC protein (p.Gly1115Cys).

NM_001458.5(FLNC):c.3343G>T (p.Gly1115Cys)

Gene: FLNC (filamin C; plus strand). Cytogenetic location: 7q32.1.
Variant type: single nucleotide variant.
Coding change: c.3343G>T on transcript NM_001458.5 (MANE Select); coding-DNA position 3343, G replaced by T.
Protein change: p.Gly1115Cys; replaces glycine 1115 with cysteine.
Molecular consequence: missense variant.
Genome position (GRCh38, 1-based): chr7:128,844,808, G>T. VCF-style: chr7-128844808-G-T. GRCh37 (hg19) VCF-style: chr7-128484862-G-T.
Other names: c.3343G>T, p.Gly1115Cys (NM_001127487.2); short protein forms G1115C.
Identifiers: ClinVar variation 2946775 (VCV002946775.3), dbSNP rs2536637310, ClinGen allele CA369196560.